The following is an entry in ClinVar:

NC_000004.11:g.(?_128860988)_(128863333_?)del

Gene: MFSD8 (major facilitator superfamily domain containing 8; minus strand). Cytogenetic location: 4q28.2.
Variant type: Deletion.
Identifiers: ClinVar variation 2427410 (VCV002427410.4).

ClinVar aggregate classification (germline): Pathogenic (1 of 4 stars; one submission).

Conditions:
Neuronal ceroid lipofuscinosis 7 (CLN7). Also called: MFSD8-Related Neuronal Ceroid-Lipofuscinosis. Identifiers: Orphanet 168491, Orphanet 228366, MedGen C1838571, MONDO:0012588, OMIM 610951.

Submission:

Labcorp Genetics (formerly Invitae), Labcorp
Classification: Pathogenic for Neuronal ceroid lipofuscinosis 7. Last evaluated: 2022-07-29. Review status: criteria provided, single submitter. Criteria: Invitae Variant Classification Sherloc (09022015). Collection method: clinical testing. Allele origin: germline.
Comment: This variant is a gross deletion of the genomic region encompassing exon(s) 6-7 of the MFSD8 gene. This deletion is out-of-frame, and is expected to create a premature termination codon and result in an absent or disrupted protein product. Loss-of-function variants in MFSD8 are known to be pathogenic (PMID: 19177532, 25227500, 28586915). This variant has not been reported in the literature in individuals affected with MFSD8-related conditions. For these reasons, this variant has been classified as Pathogenic.

Literature cited by the submitters: PubMed 19177532; PubMed 25227500; PubMed 28586915.